The following is an entry in ClinVar:

ClinVar aggregate classification (germline): Uncertain significance. Review status: criteria provided, single submitter (1 of 4 stars). 2 submissions from 2 submitters: Uncertain significance (1). 1 of the submissions does not count toward it. Last evaluated 2024-01-19.

Conditions:
Congenital diaphragmatic hernia. Also called: DIH; Congenital diaphragmatic defect; Unilateral agenesis of diaphragm; Agenesis of hemidiaphragm. Identifiers: Orphanet 2140, MedGen C0235833, MeSH D065630, MONDO:0005711, HP:0000776.

Submissions (2):

GeneDx
Classification: Uncertain significance. Last evaluated: 2024-01-19. Review status: criteria provided, single submitter. Criteria: GeneDx Variant Classification Process June 2021. Collection method: clinical testing. Allele origin: germline. Affected: yes.
Comment: Reported as a maternally inherited variant in a patient with congenital diaphragmatic hernia who also harbored a paternally inherited variant in the FRAS1 gene and an additional maternally inherited variant in the ROBO4 gene (PMID: 29618029); Not observed at significant frequency in large population cohorts (gnomAD); In silico analysis supports that this missense variant has a deleterious effect on protein structure/function; This variant is associated with the following publications: (PMID: 29618029)

Daryl Scott Lab, Baylor College of Medicine
Classification: risk factor for Congenital diaphragmatic hernia. Last evaluated: 2016-11-09. Review status: no assertion criteria provided. Collection method: research. Allele origin: inherited. Affected: yes. Observed: 1 heterozygote. Not counted in ClinVar's aggregate classification.

NM_207361.6(FREM2):c.4994C>T (p.Ser1665Phe)

Gene: FREM2 (FRAS1 related extracellular matrix 2; plus strand). Cytogenetic location: 13q13.3.
Variant type: single nucleotide variant.
Coding change: c.4994C>T on transcript NM_207361.6 (MANE Select); coding-DNA position 4994, C replaced by T.
Protein change: p.Ser1665Phe; replaces serine 1665 with phenylalanine.
Molecular consequence: missense variant.
Genome position (GRCh38, 1-based): chr13:38,692,338, C>T. VCF-style: chr13-38692338-C-T. GRCh37 (hg19) VCF-style: chr13-39266475-C-T.
Other names: c.4994C>T (NM_207361.4); short protein forms S1665F.
Identifiers: ClinVar variation 369977 (VCV000369977.2), dbSNP rs1555261576, ClinGen allele CA387894322.
Genomic context (GRCh38, chr13:38,692,338, plus strand): 5'-AGATCCAGGTCTTGGCTGTTGACAACAGTGTCCCCCAAATCGCAGTGAATAAGGGGGCCT[C>T]TACACTTCGCACTCTAGCCACTGGCCACTTGGGGTTCATGATCACAAGCAAAATATTGAA-3'
Protein context (NP_997244.4, residues 1655-1675): VPQIAVNKGA[Ser1665Phe]TLRTLATGHL